The following is an entry in ClinVar:

NM_173546.3(KLHDC8B):c.869-8T>C

Gene: KLHDC8B (kelch domain containing 8B; plus strand). Cytogenetic location: 3p21.31.
Variant type: single nucleotide variant.
Coding change: c.869-8T>C on transcript NM_173546.3 (MANE Select); 8 bases into the intron before coding-DNA position 869, T replaced by C.
Molecular consequence: intron variant.
Genome position (GRCh38, 1-based): chr3:49,175,597, T>C. VCF-style: chr3-49175597-T-C. GRCh37 (hg19) VCF-style: chr3-49213030-T-C.
Other names: c.869-8T>C (NM_173546.2).
Identifiers: ClinVar variation 2114808 (VCV002114808.6), dbSNP rs11713297, ClinGen allele CA2395606.
Genomic context (GRCh38, chr3:49,175,597, plus strand): 5'-TAGGGAGCAGAAGGGCCTGGAGTCCCTACGGCCTGTGCCTCTCACAGCCTTCTCTCTCCT[T>C]CTTGCAGGAAACCAGCCATGTCCTTTGGGCTCTGTGGAGAGCTTTAGCCTTGCACGGCGG-3'

ClinVar aggregate classification (germline): Benign. Review status: criteria provided, single submitter (1 of 4 stars). 2 submissions from 2 submitters: Benign (1). 1 of the submissions does not count toward it. Last evaluated 2026-02-04.

Conditions:
KLHDC8B-related disorder. Also called: KLHDC8B-related condition.

Allele frequency attached by ClinVar (database versions not stated): ExAC 0.09184; ESP Exome Variant Server 0.10680; 1000 Genomes Project 0.07308; TOPMed 0.09660; 1000 Genomes Project 30x 0.07527; gnomAD exomes 0.10260; gnomAD 0.09958.
gnomAD v4.1: 156,879 of 1,536,348 alleles (10%); highest among the groups gnomAD compares: Non-Finnish European, 11%; 8,458 homozygotes.

Submissions (2):

Labcorp Genetics (formerly Invitae), Labcorp
Classification: Benign. Last evaluated: 2026-02-04. Review status: criteria provided, single submitter. Criteria: Invitae Variant Classification Sherloc (09022015). Collection method: clinical testing. Allele origin: germline.

PreventionGenetics, part of Exact Sciences
Classification: Benign for KLHDC8B-related condition. Last evaluated: 2019-10-23. Review status: no assertion criteria provided. Collection method: clinical testing. Allele origin: germline. Not counted in ClinVar's aggregate classification.
Comment: This variant is classified as benign based on ACMG/AMP sequence variant interpretation guidelines (Richards et al. 2015 PMID: 25741868, with internal and published modifications).